The following is an entry in ClinVar:

GRCh38/hg38 15q11.2(chr15:22623415-23066575)x1

Genes: CYFIP1 (cytoplasmic FMR1 interacting protein 1; minus strand), NIPA1 (NIPA magnesium transporter 1; plus strand), NIPA2 (NIPA magnesium transporter 2; plus strand), TUBGCP5 (tubulin gamma complex component 5; minus strand), LOC112272575 (Sharpr-MPRA regulatory region 8478; plus strand) and 15 more. Cytogenetic location: 15q11.2.
Variant type: copy number loss.
Change: copy number 1 (one copy instead of two) of chr15:22,623,415-23,066,575 (443.2 kb, GRCh38 coordinates, 1-based), cytogenetic band 15q11.2.
Identifiers: ClinVar variation 149421 (VCV000149421.3).

ClinVar aggregate classification (germline): conflicting data from submitters (0 of 4 stars; one submission).

Submission:

ISCA site 1
Classification: conflicting data from submitters. Last evaluated: 2013-04-04. Review status: no assertion criteria provided. Collection method: clinical testing. Allele origin: unknown, paternal, maternal. Affected: yes. Observed: 17 variant alleles. Clinical features observed: Developmental delay AND/OR other significant developmental or morphological phenotypes, Seizures (HP:0001250), Delayed speech and language development (HP:0000750), Motor delay (HP:0001270), Cryptorchidism (HP:0000028), Macrocephaly (HP:0000256), Macrotia (HP:0000400), Autistic behavior (HP:0000729), Delayed puberty (HP:0000823), Global developmental delay (HP:0001263), Premature birth (HP:0001622), Delayed skeletal maturation (HP:0002750), and 19 more.
Comment: Uncertain significance(16), Likely benign (1)

Copy number variation identified through the course of routine clinical cytogenomic testing in postnatal populations, with clinical assertions as classified by the original submitter. For data from the original published study, Kaminsky, et al. 2011 (PubMed 21844811), please see nstd101.